The following is an entry in ClinVar:

ClinVar aggregate classification (germline): Uncertain significance (1 of 4 stars; one submission).

Submission:

CeGaT Center for Human Genetics Tuebingen
Classification: Uncertain significance. Last evaluated: 2025-06-01. Review status: criteria provided, single submitter. Criteria: CeGaT Center For Human Genetics Tuebingen Variant Classification Criteria Version 2. Collection method: clinical testing. Allele origin: germline. Affected: yes. Observed: 1 variant allele.
Comment: WAC: PM2

NM_016628.5(WAC):c.1415C>T (p.Pro472Leu)

Gene: WAC (WW domain containing adaptor with coiled-coil; plus strand). Cytogenetic location: 10p12.1.
Variant type: single nucleotide variant.
Coding change: c.1415C>T on transcript NM_016628.5 (MANE Select); coding-DNA position 1415, C replaced by T.
Protein change: p.Pro472Leu; replaces proline 472 with leucine.
Molecular consequence: missense variant.
Genome position (GRCh38, 1-based): chr10:28,611,900, C>T. VCF-style: chr10-28611900-C-T. GRCh37 (hg19) VCF-style: chr10-28900829-C-T.
Other names: c.1280C>T, p.Pro427Leu (NM_100264.3); c.1106C>T, p.Pro369Leu (NM_100486.4); short protein forms P369L, P427L, P472L.
Identifiers: ClinVar variation 4084876 (VCV004084876.8).